The following is an entry in ClinVar:

ClinVar aggregate classification (germline): Benign/Likely benign. Review status: criteria provided, multiple submitters, no conflicts (2 of 4 stars). 8 submissions from 8 submitters: Benign (3); Likely benign (4). 1 of the submissions does not count toward it. Last evaluated 2025-12-26.

Conditions:
ANKRD11-related disorder. Also called: ANKRD11-related condition.
KBG syndrome (KBGS). Also called: ANKRD11-Related KBG Syndrome. Identifiers: Orphanet 2332, MedGen C0220687, MONDO:0007846, OMIM 148050.
Inborn genetic diseases. Identifiers: MedGen C0950123, MeSH D030342.

Allele frequency attached by ClinVar (database versions not stated): gnomAD exomes 0.00016; ExAC 0.00018; gnomAD 0.00040 and 0.00041; ESP Exome Variant Server 0.00054; TOPMed 0.00055; 1000 Genomes Project 30x 0.00078; 1000 Genomes Project 0.00080.
gnomAD v4.1: 132 of 1,614,042 alleles (0.0082%); highest among the groups gnomAD compares: African/African-American, 0.15%; no homozygotes.

Submissions (8):

Labcorp Genetics (formerly Invitae), Labcorp
Classification: Benign for KBG syndrome. Last evaluated: 2025-12-26. Review status: criteria provided, single submitter. Criteria: Invitae Variant Classification Sherloc (09022015). Collection method: clinical testing. Allele origin: germline.

ARUP Laboratories, Molecular Genetics and Genomics, ARUP Laboratories
Classification: Likely benign for KBG syndrome. Last evaluated: 2025-03-17. Review status: criteria provided, single submitter. Criteria: ARUP Molecular Germline Variant Investigation Process 2024. Collection method: clinical testing. Allele origin: germline.

Blueprint Genetics
Classification: Likely benign. Last evaluated: 2023-11-13. Review status: criteria provided, single submitter. Criteria: ACMG Guidelines, 2015. Collection method: clinical testing. Allele origin: germline.

Genome-Nilou Lab
Classification: Benign for KBG syndrome. Last evaluated: 2021-12-05. Review status: criteria provided, single submitter. Criteria: ACMG Guidelines, 2015. Collection method: clinical testing. Allele origin: germline. Affected: no.

GeneDx
Classification: Benign. Last evaluated: 2020-03-24. Review status: criteria provided, single submitter. Criteria: GeneDx Variant Classification Process June 2021. Collection method: clinical testing. Allele origin: germline. Affected: yes.

Ambry Genetics
Classification: Likely benign for Inborn genetic diseases. Last evaluated: 2016-11-23. Review status: criteria provided, single submitter. Criteria: Ambry Variant Classification Scheme 2023. Collection method: clinical testing. Allele origin: germline.

Breakthrough Genomics
Classification: Likely benign. Review status: criteria provided, single submitter. Criteria: ACMG Guidelines, 2015. Collection method: not provided. Allele origin: germline. Inheritance: Autosomal dominant inheritance. Affected: yes.

PreventionGenetics, part of Exact Sciences
Classification: Likely benign for ANKRD11-related condition. Last evaluated: 2021-10-12. Review status: no assertion criteria provided. Collection method: clinical testing. Allele origin: germline. Not counted in ClinVar's aggregate classification.
Comment: This variant is classified as likely benign based on ACMG/AMP sequence variant interpretation guidelines (Richards et al. 2015 PMID: 25741868, with internal and published modifications).

NM_013275.6(ANKRD11):c.3826G>A (p.Ala1276Thr)

Gene: ANKRD11 (ankyrin repeat domain 11; minus strand). Cytogenetic location: 16q24.3.
Variant type: single nucleotide variant.
Coding change: c.3826G>A on transcript NM_013275.6 (MANE Select); coding-DNA position 3826, G replaced by A.
Protein change: p.Ala1276Thr; replaces alanine 1276 with threonine.
Molecular consequence: missense variant.
Genome position (GRCh38, 1-based): chr16:89,282,716, C>T on the plus strand (G>A on the coding strand, the complement: ANKRD11 is on the minus strand). VCF-style: chr16-89282716-C-T. GRCh37 (hg19) VCF-style: chr16-89349124-C-T.
Other names: c.3826G>A, p.Ala1276Thr (NM_001256182.2, NM_001256183.2); short protein forms A1276T.
Identifiers: ClinVar variation 588474 (VCV000588474.17), dbSNP rs139239852, ClinGen allele CA8242281.